The following is an entry in ClinVar:

NM_032119.4(ADGRV1):c.2284C>T (p.Arg762Cys)

Gene: ADGRV1 (adhesion G protein-coupled receptor V1; plus strand). Cytogenetic location: 5q14.3.
Variant type: single nucleotide variant.
Coding change: c.2284C>T on transcript NM_032119.4 (MANE Select); coding-DNA position 2284, C replaced by T.
Protein change: p.Arg762Cys; replaces arginine 762 with cysteine.
Molecular consequence: missense variant. On other transcripts: non-coding transcript variant (1).
Genome position (GRCh38, 1-based): chr5:90,642,679, C>T. VCF-style: chr5-90642679-C-T. GRCh37 (hg19) VCF-style: chr5-89938496-C-T.
Other names: short protein forms R762C.
Identifiers: ClinVar variation 504946 (VCV000504946.16), dbSNP rs41302842, ClinGen allele CA3338880.
Genomic context (GRCh38, chr5:90,642,679, plus strand): 5'-CTCTCTGACTTCTCTAGGGTTAACGTGGAAAACCAAGTGCTGAAATCTGGATATACTAGC[C>T]GTGACCTAATTATTTTGGAAAATGATGACCCTGGGGGAGTTTTTGAATTTTCTCCTGCTT-3'
Protein context (NP_115495.3, residues 752-772): NQVLKSGYTS[Arg762Cys]DLIILENDDP

ClinVar aggregate classification (germline): Benign/Likely benign. Review status: criteria provided, multiple submitters, no conflicts (2 of 4 stars). 5 submissions from 5 submitters: Benign (1); Likely benign (3). 1 of the submissions does not count toward it. Last evaluated 2026-04-06.

Conditions:
ADGRV1-related disorder. Also called: ADGRV1-related condition; ADGRV1-related disorders.

Allele frequency attached by ClinVar (database versions not stated): gnomAD 0.00005 and 0.00015; TOPMed 0.00006; gnomAD exomes 0.00016 and 0.00029; ExAC 0.00028; 1000 Genomes Project 0.00060; 1000 Genomes Project 30x 0.00062.
gnomAD v4.1: 259 of 1,613,474 alleles (0.016%); highest among the groups gnomAD compares: South Asian, 0.18%; 3 homozygotes.

Submissions (5):

Women's Health and Genetics/Laboratory Corporation of America, LabCorp
Classification: Likely benign. Last evaluated: 2026-04-06. Review status: criteria provided, single submitter. Criteria: LabCorp Variant Classification Summary - May 2015. Collection method: clinical testing. Allele origin: germline.
Comment: Variant summary: ADGRV1 c.2284C>T (p.Arg762Cys) results in a non-conservative amino acid change in the encoded protein sequence. Algorithms developed to predict the effect of missense changes on protein structure and function are either unavailable or do not agree on the potential impact of this missense change. The variant allele was found at a frequency of 0.00029 in 249012 control chromosomes, predominantly at a frequency of 0.002 within the South Asian subpopulation in the gnomAD database, including 1 homozygote. The observed variant frequency within South Asian control individuals in the gnomAD database exceeds the estimated maximal expected allele frequency for disease-causing variants in ADGRV1, suggesting the variant is benign. To our knowledge, no occurrence of c.2284C>T in individuals affected with ADGRV1-related conditions and no experimental evidence demonstrating its impact on protein function have been reported. ClinVar contains an entry for this variant (Variation ID: 504946). Based on the evidence outlined above, the variant was classified as likely benign.

Labcorp Genetics (formerly Invitae), Labcorp
Classification: Likely benign. Last evaluated: 2026-01-14. Review status: criteria provided, single submitter. Criteria: Invitae Variant Classification Sherloc (09022015). Collection method: clinical testing. Allele origin: germline.

Blueprint Genetics
Classification: Benign. Last evaluated: 2024-09-24. Review status: criteria provided, single submitter. Criteria: ACMG Guidelines, 2015. Collection method: clinical testing. Allele origin: germline.

Laboratory for Molecular Medicine, Mass General Brigham Personalized Medicine
Classification: Likely benign. Last evaluated: 2016-05-21. Review status: criteria provided, single submitter. Criteria: LMM Criteria. Collection method: clinical testing. Allele origin: germline. Observed: 2 variant alleles.
Comment: p.Arg762Cys in exon 12 of GPR98: This variant is not expected to have clinical s ignificance due to a lack of conservation across species, including mammals. Of note, >20 species (including >5 mammals) have a cysteine (Cys) at this position despite high nearby amino acid conservation. In addition, computational predicti on tools do not suggest a high likelihood of impact to the protein. It has been identified in 29/16504 (0.2%) of South Asian chromosomes by the Exome Aggregatio n Consortium (ExAC; dbSNP rs41302842).

PreventionGenetics, part of Exact Sciences
Classification: Likely benign for ADGRV1-related condition. Last evaluated: 2024-08-02. Review status: no assertion criteria provided. Collection method: clinical testing. Allele origin: germline. Not counted in ClinVar's aggregate classification.
Comment: This variant is classified as likely benign based on ACMG/AMP sequence variant interpretation guidelines (Richards et al. 2015 PMID: 25741868, with internal and published modifications).